The following is an entry in ClinVar:

ClinVar aggregate classification (germline): Conflicting classifications of pathogenicity. Review status: criteria provided, conflicting classifications (1 of 4 stars). 8 submissions from 8 submitters: Likely pathogenic (5); Uncertain significance (2). 1 of the submissions does not count toward it. Last evaluated 2026-07-13.

Conditions:
Wilson disease (WND). Also called: Wilson's disease. Identifiers: Orphanet 905, MedGen C0019202, MONDO:0010200, OMIM 277900. Disease mechanism: loss of function.

Allele frequency attached by ClinVar (database versions not stated): TOPMed 0.00001; gnomAD 0.00001; gnomAD exomes 0.00001; ExAC 0.00001.
gnomAD v4.1: 20 of 1,614,080 alleles (0.0012%); highest among the groups gnomAD compares: Middle Eastern, 0.016%; no homozygotes.

Submissions (8):

North East and Yorkshire NHS Genomic Laboratory Hub
Classification: Likely pathogenic for Wilson disease. Last evaluated: 2026-07-13. Review status: criteria provided, single submitter. Criteria: ACMG Guidelines, 2015. Collection method: clinical testing. Allele origin: germline. Inheritance: Unknown mechanism. Affected: yes.
Comment: 'PM5;PM3;PP3;PM2'

Natera, Inc.
Classification: Likely pathogenic for Wilson disease. Last evaluated: 2025-11-24. Review status: criteria provided, single submitter. Criteria: Natera Variant Classification Schema (03/2026). Collection method: clinical testing. Allele origin: germline.
Comment: The c.2267C>T variant in ATP7B is a missense variant predicted to cause substitution of alanine to valine at amino acid 756. This variant is rare in the general population with a frequency below the threshold expected for the associated phenotype(s). This variant has been observed in one or more individuals affected with the associated recessive disease, as either homozygous or compound heterozygous with a second variant (PMID: 35470480, 16423615, 40761701). This variant has been found together with another disease-causing variant in the same copy of the gene (PMID: 31059521). Computational prediction algorithms indicate this variant is likely to affect gene or protein function. Given the available evidence, this variant is classified as Likely Pathogenic.

Genomic Medicine Center of Excellence, King Faisal Specialist Hospital and Research Centre
Classification: Likely pathogenic for Wilson disease. Last evaluated: 2025-09-10. Review status: criteria provided, single submitter. Criteria: ACMG Guidelines, 2015. Collection method: clinical testing. Allele origin: germline.

Victorian Clinical Genetics Services, Murdoch Childrens Research Institute
Classification: Uncertain significance for Wilson disease. Last evaluated: 2024-11-01. Review status: criteria provided, single submitter. Criteria: ACMG Guidelines, 2015. Collection method: clinical testing. Allele origin: germline. Affected: no.
Comment: This variant is classified as VUS-3A. Evidence in support of pathogenic classification: Variant is present in gnomAD <0.01 for a recessive condition (v4: 20 heterozygote(s), 0 homozygote(s)); Another missense variant comparable to the one identified in this case has limited previous evidence for pathogenicity. p.(Ala756Gly) has been reported in at least two compound heterozygous individuals with Wilson disease (PMID: 37681011, 23235335); Missense variant consistently predicted to be damaging by an in silico tool or highly conserved with a major amino acid change. Additional information: This variant is heterozygous; This gene is associated with autosomal recessive disease; Previous reports of pathogenicity for this variant are conflicting. It has been classified as likely pathogenic and a VUS by clinical laboratories in ClinVar. This variant has also been reported in a compound heterozygote individual with Wilson disease (PMID: 35470480) as well as a compound heterozygous individual with isolated liver disease who was unlikely to have a clinical diagnosis of Wilson disease (PMID: 16423615). This variant has also been reported in double homozygous siblings with Wilison disease, however the second variant has been previously classified in ClinVar as pathogenic (PMID: 31059521); No published functional evidence has been identified for this variant; Variant is not located in an established domain, motif, hotspot or informative constraint region; Loss of function is a known mechanism of disease in this gene and is associated with Wilson disease (MIM#277900).

Fulgent Genetics
Classification: Likely pathogenic for Wilson disease. Last evaluated: 2024-06-13. Review status: criteria provided, single submitter. Criteria: ACMG Guidelines, 2015. Collection method: clinical testing. Allele origin: germline.

Baylor Genetics
Classification: Likely pathogenic for Wilson disease. Last evaluated: 2024-01-25. Review status: criteria provided, single submitter. Criteria: ACMG Guidelines, 2015. Collection method: clinical testing. Allele origin: unknown.

All of Us Research Program, National Institutes of Health
Classification: Uncertain significance for Wilson disease. Last evaluated: 2023-06-26. Review status: criteria provided, single submitter. Criteria: ACMG Guidelines, 2015. Collection method: clinical testing. Allele origin: germline. Inheritance: Autosomal recessive inheritance. Observed: 1 variant allele, 1 heterozygote.
Comment: This missense variant replaces alanine with valine at codon 756 of the ATP7B protein. Computational prediction suggests that this variant may have deleterious impact on protein structure and function (internally defined REVEL score threshold >= 0.7, PMID: 27666373). To our knowledge, functional studies have not been reported for this variant. This variant has been observed in two individuals affected with autosomal recessive Wilson disease in the compound heterozygous state (PMID: 16423615, 35470480). It has also been observed in double homozygosity with a pathogenic ATP7B c.2297C>T p.Thr766Met variant (ClinVar Variation ID: 633064) in three siblings with Wilson disease born to unaffected consanguineous parents, both of whom carried p.Ala756Val and p.Thr766Met variants in cis (PMID: 31059521). This variant has been identified in 3/249586 chromosomes in the general population by the Genome Aggregation Database (gnomAD). The available evidence is insufficient to determine the role of this variant in disease conclusively. Therefore, this variant is classified as a Variant of Uncertain Significance.

This study involves interpretation of variants in research participants for the purpose of population health screening. Participant phenotype was not available at the time of variant classification. Additional details can be found in publication PMID: 35346344, PMCID: PMC8962531

Counsyl
Classification: Uncertain significance for Wilson disease. Last evaluated: 2017-11-15. Review status: no assertion criteria provided. Collection method: clinical testing. Allele origin: unknown. Not counted in ClinVar's aggregate classification.

Literature cited by the submitters: PubMed 35470480 (cited by 3 submitters); PubMed 16423615 (cited by 4 submitters); PubMed 40761701 (cited by Natera, Inc.); PubMed 31059521 (cited by 3 submitters); PubMed 37681011 (cited by Victorian Clinical Genetics Services, Murdoch Childrens Research Institute); PubMed 23235335 (cited by Victorian Clinical Genetics Services, Murdoch Childrens Research Institute).

NM_000053.4(ATP7B):c.2267C>T (p.Ala756Val)

Gene: ATP7B (ATPase copper transporting beta; minus strand). Cytogenetic location: 13q14.3.
Variant type: single nucleotide variant.
Coding change: c.2267C>T on transcript NM_000053.4 (MANE Select); coding-DNA position 2267, C replaced by T.
Protein change: p.Ala756Val; replaces alanine 756 with valine.
Molecular consequence: missense variant. On other transcripts: intron variant (2).
Genome position (GRCh38, 1-based): chr13:51,958,399, G>A on the plus strand (C>T on the coding strand, the complement: ATP7B is on the minus strand). VCF-style: chr13-51958399-G-A. GRCh37 (hg19) VCF-style: chr13-52532535-G-A.
Other names: c.1934C>T, p.Ala645Val (NM_001243182.2); c.2015C>T, p.Ala672Val (NM_001330579.2); c.1870-792C>T (NM_001005918.3); c.2122-792C>T (NM_001330578.2); short protein forms A756V, A672V, A645V.
Identifiers: ClinVar variation 555023 (VCV000555023.11), dbSNP rs769927137, ClinGen allele CA6989077.
Genomic context (GRCh38, chr13:51,958,399, plus strand): 5'-AGGGCAATGAACACAAAGAGCATGGGGGGCGTGTCGAAGAATGTCACAGGGCTCCTCTCC[G>A]CCTTCTCAGCCACAGCAACCACCAGGATGACCAGAGAATAAACATAAGCAATGCTTGTGG-3'
Protein context (NP_000044.2, residues 746-766): VILVVAVAEK[Ala756Val]ERSPVTFFDT